The following is an entry in ClinVar:

NM_000179.3(MSH6):c.1609A>C (p.Lys537Gln)

Gene: MSH6 (mutS homolog 6; plus strand). Cytogenetic location: 2p16.3.
Variant type: single nucleotide variant.
Coding change: c.1609A>C on transcript NM_000179.3 (MANE Select); coding-DNA position 1609, A replaced by C.
Protein change: p.Lys537Gln; replaces lysine 537 with glutamine.
Molecular consequence: missense variant.
Genome position (GRCh38, 1-based): chr2:47,799,592, A>C. VCF-style: chr2-47799592-A-C. GRCh37 (hg19) VCF-style: chr2-48026731-A-C.
Other names: c.1219A>C, p.Lys407Gln (NM_001281492.2); c.703A>C, p.Lys235Gln (NM_001281493.2, NM_001281494.2); short protein forms K407Q, K235Q, K537Q.
Identifiers: ClinVar variation 1520229 (VCV001520229.10), dbSNP rs753276270, ClinGen allele CA346747005.

ClinVar aggregate classification (germline): Uncertain significance. Review status: criteria provided, multiple submitters, no conflicts (2 of 4 stars). 2 submissions from 2 submitters: Uncertain significance (2). Last evaluated 2023-11-28.

Conditions:
Hereditary nonpolyposis colorectal neoplasms. Identifiers: MedGen C0009405, MeSH D003123.
Hereditary cancer-predisposing syndrome. Also called: Hereditary neoplastic syndrome; Hereditary Cancer Syndrome; Tumor predisposition; Neoplastic Syndromes, Hereditary. Identifiers: Orphanet 140162, MedGen C0027672, MeSH D009386, MONDO:0015356.

Submissions (2):

Labcorp Genetics (formerly Invitae), Labcorp
Classification: Uncertain significance for Hereditary nonpolyposis colorectal neoplasms. Last evaluated: 2023-11-28. Review status: criteria provided, single submitter. Criteria: Invitae Variant Classification Sherloc (09022015). Collection method: clinical testing. Allele origin: germline.
Comment: This sequence change replaces lysine, which is basic and polar, with glutamine, which is neutral and polar, at codon 537 of the MSH6 protein (p.Lys537Gln). This variant is not present in population databases (gnomAD no frequency). This variant has not been reported in the literature in individuals affected with MSH6-related conditions. ClinVar contains an entry for this variant (Variation ID: 1520229). Advanced modeling of protein sequence and biophysical properties (such as structural, functional, and spatial information, amino acid conservation, physicochemical variation, residue mobility, and thermodynamic stability) performed at Invitae indicates that this missense variant is not expected to disrupt MSH6 protein function with a negative predictive value of 95%. In summary, the available evidence is currently insufficient to determine the role of this variant in disease. Therefore, it has been classified as a Variant of Uncertain Significance.

Ambry Genetics
Classification: Uncertain significance for Hereditary cancer-predisposing syndrome. Last evaluated: 2021-11-03. Review status: criteria provided, single submitter. Criteria: Ambry Variant Classification Scheme 2023. Collection method: clinical testing. Allele origin: germline.
Comment: The p.K537Q variant (also known as c.1609A>C), located in coding exon 4 of the MSH6 gene, results from an A to C substitution at nucleotide position 1609. The lysine at codon 537 is replaced by glutamine, an amino acid with similar properties. This amino acid position is well conserved in available vertebrate species. In addition, this alteration is predicted to be tolerated by in silico analysis. Since supporting evidence is limited at this time, the clinical significance of this alteration remains unclear.